The following is an entry in ClinVar:

Conditions:
Long QT syndrome 5 (LQT5). Identifiers: Orphanet 101016, Orphanet 768, MedGen C1867904, MONDO:0013372, OMIM 613695.

Submission:

Roden Lab, Vanderbilt University Medical Center
No classification provided (evidence only). Condition: Long QT syndrome 5. Review status: no classification provided. Collection method: in vitro. Allele origin: not applicable. Functional consequence: Effect on ion channel function.
ClinVar note: "not provided" was previously submitted as the classification for the variant. However, the classification appeared to be based only on an observation of functional data so it was converted to no classification on 2025-07-30.

NM_000219.6(KCNE1):c.165C>T (p.Gly55=)

Gene: KCNE1 (potassium voltage-gated channel subfamily E regulatory subunit 1; minus strand). Cytogenetic location: 21q22.12.
Variant type: single nucleotide variant.
Coding change: c.165C>T on transcript NM_000219.6 (MANE Select); coding-DNA position 165, C replaced by T.
Protein change: p.Gly55=; no amino-acid change (glycine 55 retained).
Molecular consequence: synonymous variant.
Genome position (GRCh38, 1-based): chr21:34,449,470, G>A on the plus strand (C>T on the coding strand, the complement: KCNE1 is on the minus strand). VCF-style: chr21-34449470-G-A. GRCh37 (hg19) VCF-style: chr21-35821768-G-A.
Other names: c.165C>T, p.Gly55= (NM_001127668.4, NM_001127669.4, NM_001127670.4 and 4 more transcripts).
Identifiers: ClinVar variation 3374219 (VCV003374219.2).